The following is an entry in ClinVar:

NM_001378452.1(ITPR1):c.1550A>G (p.Lys517Arg)

Gene: ITPR1 (inositol 1,4,5-trisphosphate receptor type 1; plus strand). Cytogenetic location: 3p26.1.
Variant type: single nucleotide variant.
Coding change: c.1550A>G on transcript NM_001378452.1 (MANE Select); coding-DNA position 1550, A replaced by G.
Protein change: p.Lys517Arg; replaces lysine 517 with arginine.
Molecular consequence: missense variant.
Genome position (GRCh38, 1-based): chr3:4,663,202, A>G. VCF-style: chr3-4663202-A-G. GRCh37 (hg19) VCF-style: chr3-4704886-A-G.
Other names: c.1505A>G (NM_002222.5); c.1550A>G, p.Lys517Arg (NM_001099952.4); c.1505A>G, p.Lys502Arg (NM_001168272.2, NM_002222.7); short protein forms K502R, K517R.
Identifiers: ClinVar variation 1938551 (VCV001938551.6), dbSNP rs376503958, ClinGen allele CA68812534.

ClinVar aggregate classification (germline): Uncertain significance. Review status: criteria provided, multiple submitters, no conflicts (2 of 4 stars). 2 submissions from 2 submitters: Uncertain significance (2). Last evaluated 2024-09-11.

Allele frequency attached by ClinVar (database versions not stated): gnomAD exomes below 0.00001; TOPMed 0.00002; gnomAD 0.00004; ESP Exome Variant Server 0.00008.
gnomAD v4.1: 8 of 1,611,076 alleles (0.0005%); highest among the groups gnomAD compares: African/African-American, 0.0094%; no homozygotes.

Submissions (2):

GeneDx
Classification: Uncertain significance. Last evaluated: 2024-09-11. Review status: criteria provided, single submitter. Criteria: GeneDx Variant Classification Process June 2021. Collection method: clinical testing. Allele origin: germline. Affected: yes.
Comment: In silico analysis indicates that this missense variant does not alter protein structure/function; In silico analysis suggests this variant may impact gene splicing. In the absence of RNA/functional studies, the actual effect of this sequence change is unknown.; Has not been previously published as pathogenic or benign to our knowledge

Labcorp Genetics (formerly Invitae), Labcorp
Classification: Uncertain significance. Last evaluated: 2022-04-23. Review status: criteria provided, single submitter. Criteria: Invitae Variant Classification Sherloc (09022015). Collection method: clinical testing. Allele origin: germline.
Comment: This variant is present in population databases (rs376503958, gnomAD 0.008%). In summary, the available evidence is currently insufficient to determine the role of this variant in disease. Therefore, it has been classified as a Variant of Uncertain Significance. Algorithms developed to predict the effect of sequence changes on RNA splicing suggest that this variant may create or strengthen a splice site. Algorithms developed to predict the effect of missense changes on protein structure and function (SIFT, PolyPhen-2, Align-GVGD) all suggest that this variant is likely to be tolerated. This variant has not been reported in the literature in individuals affected with ITPR1-related conditions. This sequence change replaces lysine, which is basic and polar, with arginine, which is basic and polar, at codon 502 of the ITPR1 protein (p.Lys502Arg).